The following is an entry in ClinVar:

ClinVar aggregate classification (germline): Uncertain significance. Review status: criteria provided, multiple submitters, no conflicts (2 of 4 stars). 2 submissions from 2 submitters: Uncertain significance (2). Last evaluated 2026-08-19.

Conditions:
SLC24A1-related disorder. Also called: SLC24A1-related condition.

Submissions (2):

PreventionGenetics, part of Exact Sciences
Classification: Uncertain significance for SLC24A1-related condition. Last evaluated: 2026-08-19. Review status: criteria provided, single submitter. Criteria: ACMG Guidelines, 2015. Collection method: clinical testing. Allele origin: germline.
Comment: The SLC24A1 c.2625_2627delGGA variant is predicted to result in an in-frame deletion (p.Glu877del). To our knowledge, this variant has not been reported in the literature. This variant is reported in 0.021% of alleles in individuals of East Asian descent in gnomAD. At this time, the clinical significance of this variant is uncertain due to the absence of conclusive functional and genetic evidence.

Labcorp Genetics (formerly Invitae), Labcorp
Classification: Uncertain significance. Last evaluated: 2021-06-19. Review status: criteria provided, single submitter. Criteria: Invitae Variant Classification Sherloc (09022015). Collection method: clinical testing. Allele origin: germline.
Comment: This variant, c.2625_2627del, results in the deletion of 1 amino acid(s) of the SLC24A1 protein (p.Glu877del), but otherwise preserves the integrity of the reading frame. The frequency data for this variant in the population databases is considered unreliable, as metrics indicate poor data quality at this position in the ExAC database. This variant has not been reported in the literature in individuals with SLC24A1-related conditions. Experimental studies and prediction algorithms are not available or were not evaluated, and the functional significance of this variant is currently unknown. In summary, the available evidence is currently insufficient to determine the role of this variant in disease. Therefore, it has been classified as a Variant of Uncertain Significance.

NM_004727.3(SLC24A1):c.2616GGA[3] (p.Glu877del)

Gene: SLC24A1 (solute carrier family 24 member 1; plus strand). Cytogenetic location: 15q22.31.
Variant type: Microsatellite.
Coding change: c.2616GGA[3] on transcript NM_004727.3 (MANE Select); three copies in a row of the 3-base unit GGA starting at c.2616; the reference has four copies in a row; one copy, 3 bases deleted.
Protein change: p.Glu877del; deletes glutamic acid 877.
Molecular consequence: inframe deletion.
Genome position (GRCh38, 1-based): chr15:65,650,774-65,650,776, GGA deleted; deleting any 3 consecutive bases within chr15:65,650,763-65,650,776 gives the same sequence; the position shown is the placement nearest the transcript's 3' end. VCF-style (leftmost placement, unchanged base first): chr15-65650762-AGAG-A. GRCh37 (hg19) VCF-style: chr15-65943100-AGAG-A.
Other names: c.597GGA[3], p.Glu204del (NM_001254740.2); c.2616GGA[3], p.Glu877del (NM_001301031.1); c.2562GGA[3], p.Glu859del (NM_001301032.1, NM_001301033.2); c.2625_2627delGGA (NM_004727.2); short protein forms E859del, E204del, E877del.
Identifiers: ClinVar variation 1382129 (VCV001382129.8), dbSNP rs574760946, ClinGen allele CA7620157.